The following is an entry in ClinVar:

NM_012290.5(TLK1):c.112_113del (p.Thr38fs)

Gene: TLK1 (tousled like kinase 1; minus strand). Cytogenetic location: 2q31.1.
Variant type: Microsatellite.
Coding change: c.112_113del on transcript NM_012290.5 (MANE Select); coding-DNA positions 112 to 113, 2 bases deleted (AC; older notation c.112_113delAC).
Protein change: p.Thr38fs; shifts the reading frame from threonine 38.
Molecular consequence: frameshift variant. On other transcripts: intron variant (1).
Genome position (GRCh38, 1-based): chr2:171,160,316-171,160,317, GT deleted on the plus strand (AC on the coding strand, the reverse complement: TLK1 is on the minus strand); deleting any 2 consecutive bases within chr2:171,160,316-171,160,320 gives the same sequence; the c. name uses the placement nearest the transcript's 3' end. VCF-style (leftmost placement, unchanged base first): chr2-171160315-CGT-C. GRCh37 (hg19) VCF-style: chr2-172016825-CGT-C.
Other names: c.-5-42460_-5-42459del (NM_001136554.2); short protein forms T38fs.
Identifiers: ClinVar variation 1683651 (VCV001683651.3), dbSNP rs2105613845, ClinGen allele CA2577156308.

ClinVar aggregate classification (germline): Uncertain significance (1 of 4 stars; one submission).

Submission:

Laboratorio de Genetica e Diagnostico Molecular, Hospital Israelita Albert Einstein
Classification: Uncertain significance. Last evaluated: 2022-01-28. Review status: criteria provided, single submitter. Criteria: ACMG Guidelines, 2015. Collection method: clinical testing. Allele origin: germline. Affected: yes.
Comment: ACMG classification criteria: PM2 moderate